The following is an entry in ClinVar:

NM_015627.3(LDLRAP1):c.385T>C (p.Phe129Leu)

Gene: LDLRAP1 (low density lipoprotein receptor adaptor protein 1; plus strand). Cytogenetic location: 1p36.11.
Variant type: single nucleotide variant.
Coding change: c.385T>C on transcript NM_015627.3 (MANE Select); coding-DNA position 385, T replaced by C.
Protein change: p.Phe129Leu; replaces phenylalanine 129 with leucine.
Molecular consequence: missense variant.
Genome position (GRCh38, 1-based): chr1:25,557,193, T>C. VCF-style: chr1-25557193-T-C. GRCh37 (hg19) VCF-style: chr1-25883684-T-C.
Other names: short protein forms F129L.
Identifiers: ClinVar variation 3537769 (VCV003537769.1).

ClinVar aggregate classification (germline): Uncertain significance (1 of 4 stars; one submission).

Conditions:
Cardiovascular phenotype. Identifiers: MedGen CN230736.

Submission:

Ambry Genetics
Classification: Uncertain significance for Cardiovascular phenotype. Last evaluated: 2024-09-23. Review status: criteria provided, single submitter. Criteria: Ambry Variant Classification Scheme 2023. Collection method: clinical testing. Allele origin: germline.
Comment: The p.F129L variant (also known as c.385T>C), located in coding exon 4 of the LDLRAP1 gene, results from a T to C substitution at nucleotide position 385. The phenylalanine at codon 129 is replaced by leucine, an amino acid with highly similar properties. This amino acid position is conserved. In addition, this alteration is predicted to be deleterious by in silico analysis. Based on the available evidence, the clinical significance of this variant remains unclear.